The following is an entry in ClinVar:

ClinVar aggregate classification (germline): Uncertain significance (1 of 4 stars; one submission).

Conditions:
Early Myoclonic Encephalopathy. Identifiers: MedGen C0270855.

gnomAD v4.1: 1 of 1,579,142 alleles (0.000063%); highest among the groups gnomAD compares: Non-Finnish European, 0.000086%; no homozygotes.

Submission:

Labcorp Genetics (formerly Invitae), Labcorp
Classification: Uncertain significance for Early Myoclonic Encephalopathy. Last evaluated: 2022-12-02. Review status: criteria provided, single submitter. Criteria: Invitae Variant Classification Sherloc (09022015). Collection method: clinical testing. Allele origin: germline.
Comment: In summary, the available evidence is currently insufficient to determine the role of this variant in disease. Therefore, it has been classified as a Variant of Uncertain Significance. Advanced modeling of protein sequence and biophysical properties (such as structural, functional, and spatial information, amino acid conservation, physicochemical variation, residue mobility, and thermodynamic stability) performed at Invitae indicates that this missense variant is not expected to disrupt JMJD1C protein function. ClinVar contains an entry for this variant (Variation ID: 1359930). This variant has not been reported in the literature in individuals affected with JMJD1C-related conditions. This variant is not present in population databases (gnomAD no frequency). This sequence change replaces alanine, which is neutral and non-polar, with glycine, which is neutral and non-polar, at codon 962 of the JMJD1C protein (p.Ala962Gly).

NM_032776.3(JMJD1C):c.2885C>G (p.Ala962Gly)

Gene: JMJD1C (jumonji domain containing 1C; minus strand). Cytogenetic location: 10q21.3.
Variant type: single nucleotide variant.
Coding change: c.2885C>G on transcript NM_032776.3 (MANE Select); coding-DNA position 2885, C replaced by G.
Protein change: p.Ala962Gly; replaces alanine 962 with glycine.
Molecular consequence: missense variant. On other transcripts: non-coding transcript variant (1).
Genome position (GRCh38, 1-based): chr10:63,208,784, G>C on the plus strand (C>G on the coding strand, the complement: JMJD1C is on the minus strand). VCF-style: chr10-63208784-G-C. GRCh37 (hg19) VCF-style: chr10-64968544-G-C.
Other names: c.2339C>G, p.Ala780Gly (NM_001282948.2, NM_001318154.2); c.2021C>G, p.Ala674Gly (NM_001318153.2); c.2771C>G, p.Ala924Gly (NM_001322252.2); c.2228C>G, p.Ala743Gly (NM_001322254.2, NM_001322258.2); short protein forms A924G, A674G, A743G, A780G, A962G.
Identifiers: ClinVar variation 1359930 (VCV001359930.8), dbSNP rs762134268, ClinGen allele CA377043316.